The following is an entry in ClinVar:

NM_003482.4(KMT2D):c.6237G>T (p.Gln2079His)

Gene: KMT2D (lysine methyltransferase 2D; minus strand). Cytogenetic location: 12q13.12.
Variant type: single nucleotide variant.
Coding change: c.6237G>T on transcript NM_003482.4 (MANE Select); coding-DNA position 6237, G replaced by T.
Protein change: p.Gln2079His; replaces glutamine 2079 with histidine.
Molecular consequence: missense variant.
Genome position (GRCh38, 1-based): chr12:49,041,533, C>A on the plus strand (G>T on the coding strand, the complement: KMT2D is on the minus strand). VCF-style: chr12-49041533-C-A. GRCh37 (hg19) VCF-style: chr12-49435316-C-A.
Other names: c.6237G>T (NM_003482.3); short protein forms Q2079H.
Identifiers: ClinVar variation 1480510 (VCV001480510.10), dbSNP rs2120548505, ClinGen allele CA384751737.

ClinVar aggregate classification (germline): Uncertain significance. Review status: criteria provided, multiple submitters, no conflicts (2 of 4 stars). 3 submissions from 3 submitters: Uncertain significance (3). Last evaluated 2025-02-14.

Conditions:
Kabuki syndrome. Also called: NIIKAWA-KUROKI SYNDROME; Kabuki make-up syndrome. Identifiers: Orphanet 2322, MedGen C0796004, MONDO:0016512.

Submissions (3):

GeneDx
Classification: Uncertain significance. Last evaluated: 2025-02-14. Review status: criteria provided, single submitter. Criteria: GeneDx Variant Classification Process June 2021. Collection method: clinical testing. Allele origin: germline. Affected: yes.
Comment: Not observed at significant frequency in large population cohorts (gnomAD); In silico analysis supports that this missense variant has a deleterious effect on protein structure/function; Has not been previously published as pathogenic or benign to our knowledge

Women's Health and Genetics/Laboratory Corporation of America, LabCorp
Classification: Uncertain significance. Last evaluated: 2024-12-06. Review status: criteria provided, single submitter. Criteria: LabCorp Variant Classification Summary - May 2015. Collection method: clinical testing. Allele origin: germline.
Comment: Variant summary: KMT2D c.6237G>T (p.Gln2079His) results in a non-conservative amino acid change in the encoded protein sequence. Four of five in-silico tools predict a damaging effect of the variant on protein function. Consensus agreement among computation tools predict no significant impact on normal splicing. However, these predictions have yet to be confirmed by functional studies. The variant was absent in 246202 control chromosomes. The available data on variant occurrences in the general population are insufficient to allow any conclusion about variant significance. To our knowledge, no occurrence of c.6237G>T in individuals affected with Kabuki Syndrome 1 and no experimental evidence demonstrating its impact on protein function have been reported. ClinVar contains an entry for this variant (Variation ID: 1480510). Based on the evidence outlined above, the variant was classified as uncertain significance.

Labcorp Genetics (formerly Invitae), Labcorp
Classification: Uncertain significance for Kabuki syndrome. Last evaluated: 2024-05-14. Review status: criteria provided, single submitter. Criteria: Invitae Variant Classification Sherloc (09022015). Collection method: clinical testing. Allele origin: germline.
Comment: This sequence change replaces glutamine, which is neutral and polar, with histidine, which is basic and polar, at codon 2079 of the KMT2D protein (p.Gln2079His). This variant is not present in population databases (gnomAD no frequency). This variant has not been reported in the literature in individuals affected with KMT2D-related conditions. ClinVar contains an entry for this variant (Variation ID: 1480510). An algorithm developed to predict the effect of missense changes on protein structure and function (PolyPhen-2) suggests that this variant is likely to be disruptive. In summary, the available evidence is currently insufficient to determine the role of this variant in disease. Therefore, it has been classified as a Variant of Uncertain Significance.